The following is an entry in ClinVar:

ClinVar aggregate classification (germline): Likely benign. Review status: criteria provided, multiple submitters, no conflicts (2 of 4 stars). 2 submissions from 2 submitters: Likely benign (2). Last evaluated 2026-08-01.

Conditions:
RYR1-related disorder. Also called: RYR1-related condition; RYR1-related disorders. Identifiers: MedGen CN239331.

Allele frequency attached by ClinVar (database versions not stated): TOPMed 0.00001.
gnomAD v4.1: 1 of 1,548,972 alleles (0.000065%); no homozygotes.

Submissions (2):

CeGaT Center for Human Genetics Tuebingen
Classification: Likely benign. Last evaluated: 2026-08-01. Review status: criteria provided, single submitter. Criteria: CeGaT Center For Human Genetics Tuebingen Variant Classification Criteria Version 2. Collection method: clinical testing. Allele origin: germline. Affected: yes. Observed: 1 variant allele.
Comment: RYR1: BP4, BP7

Labcorp Genetics (formerly Invitae), Labcorp
Classification: Likely benign for RYR1-related disorder. Last evaluated: 2023-02-24. Review status: criteria provided, single submitter. Criteria: Invitae Variant Classification Sherloc (09022015). Collection method: clinical testing. Allele origin: germline.

NM_000540.3(RYR1):c.4098G>A (p.Glu1366=)

Gene: RYR1 (ryanodine receptor 1; plus strand). Cytogenetic location: 19q13.2.
Variant type: single nucleotide variant.
Coding change: c.4098G>A on transcript NM_000540.3 (MANE Select); coding-DNA position 4098, G replaced by A.
Protein change: p.Glu1366=; no amino-acid change (glutamic acid 1366 retained).
Molecular consequence: synonymous variant.
Genome position (GRCh38, 1-based): chr19:38,473,709, G>A. VCF-style: chr19-38473709-G-A. GRCh37 (hg19) VCF-style: chr19-38964349-G-A.
Other names: c.4098G>A, p.Glu1366= (NM_001042723.2).
Identifiers: ClinVar variation 2738126 (VCV002738126.4), dbSNP rs1280534167, ClinGen allele CA405643074.
Genomic context (GRCh38, chr19:38,473,709, plus strand): 5'-CGGCAAAGAAGGGACTGCGAAGGAGGGCGCCCCCGGGGGCACCCCGCAGGCGGGGGGAGA[G>A]GCGCAGCCCGCCAGGGCGGAGAATGAGAAGGATGCCACCACCGAGAAGAACAAGAAGAGA-3'
Protein context (NP_000531.2, residues 1356-1376): APGGTPQAGG[Glu1366=]AQPARAENEK